The following is an entry in ClinVar:

ClinVar aggregate classification (germline): Uncertain significance (1 of 4 stars; one submission).

Allele frequency attached by ClinVar (database versions not stated): gnomAD exomes 0.00001; ExAC 0.00001; TOPMed 0.00002; gnomAD 0.00003.

Submission:

Labcorp Genetics (formerly Invitae), Labcorp
Classification: Uncertain significance. Last evaluated: 2025-08-04. Review status: criteria provided, single submitter. Criteria: Invitae Variant Classification Sherloc (09022015). Collection method: clinical testing. Allele origin: germline.
Comment: This sequence change falls in intron 20 of the COL7A1 gene. It does not directly change the encoded amino acid sequence of the COL7A1 protein. It affects a nucleotide within the consensus splice site. This variant is not present in population databases (gnomAD no frequency). This variant has not been reported in the literature in individuals affected with COL7A1-related conditions. ClinVar contains an entry for this variant (Variation ID: 3024003). Variants that disrupt the consensus splice site are a relatively common cause of aberrant splicing (PMID: 17576681, 9536098). Algorithms developed to predict the effect of sequence changes on RNA splicing suggest that this variant is not likely to affect RNA splicing. In summary, the available evidence is currently insufficient to determine the role of this variant in disease. Therefore, it has been classified as a Variant of Uncertain Significance.

Literature cited by the submitters: PubMed 17576681; PubMed 9536098.

NM_000094.4(COL7A1):c.2710+3G>A

Gene: COL7A1 (collagen type VII alpha 1 chain; minus strand). Cytogenetic location: 3p21.31.
Variant type: single nucleotide variant.
Coding change: c.2710+3G>A on transcript NM_000094.4 (MANE Select); 3 bases into the intron after coding-DNA position 2710, G replaced by A.
Molecular consequence: intron variant.
Genome position (GRCh38, 1-based): chr3:48,588,279, C>T on the plus strand (G>A on the coding strand, the complement: COL7A1 is on the minus strand). VCF-style: chr3-48588279-C-T. GRCh37 (hg19) VCF-style: chr3-48625712-C-T.
Identifiers: ClinVar variation 3024003 (VCV003024003.3), dbSNP rs774502421, ClinGen allele CA2380789.
Genomic context (GRCh38, chr3:48,588,279, plus strand): 5'-TGCGGAGTCTGCCACAGCCCTGCCCCCAATGGTCCCTAACTTCCTCCTGGGGACACCTCT[C>T]ACCCTCAGGTTGCCAGTGCAGAAGGAAGCCCTGCGCTCTGGGCACCGGCTCCCAGCGCAG-3'